The following is an entry in ClinVar:

NM_001379150.1(IRS4):c.2282C>T (p.Ala761Val)

Gene: IRS4 (insulin receptor substrate 4; minus strand). Cytogenetic location: Xq22.3.
Variant type: single nucleotide variant.
Coding change: c.2282C>T on transcript NM_001379150.1 (MANE Select); coding-DNA position 2282, C replaced by T.
Protein change: p.Ala761Val; replaces alanine 761 with valine.
Molecular consequence: missense variant.
Genome position (GRCh38, 1-based): chrX:108,734,063, G>A on the plus strand (C>T on the coding strand, the complement: IRS4 is on the minus strand). VCF-style: chrX-108734063-G-A. GRCh37 (hg19) VCF-style: chrX-107977293-G-A.
Other names: c.2282C>T, p.Ala761Val (NM_003604.2); short protein forms A761V.
Identifiers: ClinVar variation 2581969 (VCV002581969.1), dbSNP rs751384387, ClinGen allele CA10489665.
Genomic context (GRCh38, chrX:108,734,063, plus strand): 5'-AACATGTAGTCACTCTCACTGTCATTGTCCTTTGAGTCATCCTCTTTATTAGTATCAGGT[G>A]CTTTTGGAGGACTCGGAGCAGGTGGTGGGCTCACTCTGGGAAACATCATCATGTACCCTC-3'
Protein context (NP_001366079.1, residues 751-771): SPPPAPSPPK[Ala761Val]PDTNKEDDSK

ClinVar aggregate classification (germline): Uncertain significance (1 of 4 stars; one submission).

Allele frequency attached by ClinVar (database versions not stated): gnomAD exomes below 0.00001; ExAC 0.00001; TOPMed 0.00001.
gnomAD v4.1: 1 of 1,211,623 alleles (0.000083%); highest among the groups gnomAD compares: Admixed American, 0.0022%; no homozygotes.

Submission:

GeneDx
Classification: Uncertain significance. Last evaluated: 2023-03-30. Review status: criteria provided, single submitter. Criteria: GeneDx Variant Classification Process June 2021. Collection method: clinical testing. Allele origin: germline. Affected: yes.
Comment: In silico analysis supports that this missense variant does not alter protein structure/function; Has not been previously published as pathogenic or benign to our knowledge